The following is an entry in ClinVar:

NM_000038.6(APC):c.4128dup (p.Val1377fs)

Gene: APC (APC regulator of Wnt signaling pathway; plus strand). Cytogenetic location: 5q22.2.
Variant type: Duplication.
Coding change: c.4128dup on transcript NM_000038.6 (MANE Select); coding-DNA position 4128, one base duplicated (T; older notation c.4128dupT).
Protein change: p.Val1377fs; shifts the reading frame from valine 1377.
Molecular consequence: frameshift variant. On other transcripts: non-coding transcript variant (2).
Genome position (GRCh38, 1-based): chr5:112,839,722, T duplicated. VCF-style (leftmost placement, unchanged base first): chr5-112839721-A-AT. GRCh37 (hg19) VCF-style: chr5-112175418-A-AT.
Other names: c.4128dup, p.Val1377fs (NM_001127510.3, NM_001354895.2, NM_001407450.1); c.4074dup, p.Val1359fs (NM_001127511.3); c.4182dup, p.Val1395fs (NM_001354896.2, NM_001407447.1, NM_001407448.1 and 1 more transcripts); c.4158dup, p.Val1387fs (NM_001354897.2); c.4053dup, p.Val1352fs (NM_001354898.2); c.4044dup, p.Val1349fs (NM_001354899.2); c.4005dup, p.Val1336fs (NM_001354900.2); c.3951dup, p.Val1318fs (NM_001354901.2, NM_001407453.1); and 11 more; short protein forms V1094fs, V1248fs, V1251fs, V1318fs, V1367fs, V993fs, V1286fs, V1336fs.
Identifiers: ClinVar variation 4725424 (VCV004725424.1).

ClinVar aggregate classification (germline): Pathogenic (1 of 4 stars; one submission).

Conditions:
Familial adenomatous polyposis 1 (FAP1). Also called: FAMILIAL ADENOMATOUS POLYPOSIS 1, ATTENUATED; POLYPOSIS, ADENOMATOUS INTESTINAL. Identifiers: MedGen C2713442, MONDO:0021056, OMIM 175100. Disease mechanism: loss of function.

Submission:

Labcorp Genetics (formerly Invitae), Labcorp
Classification: Pathogenic for Familial adenomatous polyposis 1. Last evaluated: 2025-09-04. Review status: criteria provided, single submitter. Criteria: Invitae Variant Classification Sherloc (09022015). Collection method: clinical testing. Allele origin: germline.
Comment: This sequence change creates a premature translational stop signal (p.Val1377Cysfs*9) in the APC gene. While this is not anticipated to result in nonsense mediated decay, it is expected to disrupt the last 1468 amino acid(s) of the APC protein. This variant is not present in population databases (gnomAD no frequency). This variant has not been reported in the literature in individuals affected with APC-related conditions. This variant is expected to disrupt the EB1 and HDLG binding sites, which mediate interactions with the cytoskeleton (PMID: 15311282, 17293347). While functional studies have not been performed to directly test the effect on APC protein function, this suggests that disruption of the C-terminal portion of the protein is functionally important. A different truncation (p.Tyr2645Lysfs*14) that lies downstream of this variant has been determined to be pathogenic (PMID: 9824584, 1316610, 27081525, 8381579, 22135120, internal data). This suggests that deletion of this region of the APC protein is causative of disease. For these reasons, this variant has been classified as Pathogenic.

Literature cited by the submitters: PubMed 15311282; PubMed 17293347; PubMed 9824584; PubMed 1316610; PubMed 27081525; PubMed 8381579; PubMed 22135120.